The following is an entry in ClinVar:

ClinVar aggregate classification (germline): Uncertain significance (1 of 4 stars; one submission).

Allele frequency attached by ClinVar (database versions not stated): gnomAD exomes below 0.00001 and 0.00001; ExAC 0.00002.
gnomAD v4.1: 6 of 1,611,814 alleles (0.00037%); highest among the groups gnomAD compares: Non-Finnish European, 0.00051%; no homozygotes.

Submission:

Labcorp Genetics (formerly Invitae), Labcorp
Classification: Uncertain significance. Last evaluated: 2025-12-08. Review status: criteria provided, single submitter. Criteria: Invitae Variant Classification Sherloc (09022015). Collection method: clinical testing. Allele origin: germline.
Comment: This sequence change replaces lysine, which is basic and polar, with glutamine, which is neutral and polar, at codon 784 of the RP1 protein (p.Lys784Gln). This variant is present in population databases (rs758046790, gnomAD 0.002%). This variant has not been reported in the literature in individuals affected with RP1-related conditions. ClinVar contains an entry for this variant (Variation ID: 1461900). An algorithm developed to predict the effect of missense changes on protein structure and function (PolyPhen-2) suggests that this variant is likely to be tolerated. In summary, the available evidence is currently insufficient to determine the role of this variant in disease. Therefore, it has been classified as a Variant of Uncertain Significance.

NM_006269.2(RP1):c.2350A>C (p.Lys784Gln)

Gene: RP1 (RP1 axonemal microtubule associated; plus strand). Cytogenetic location: 8q12.1.
Variant type: single nucleotide variant.
Coding change: c.2350A>C on transcript NM_006269.2 (MANE Select); coding-DNA position 2350, A replaced by C.
Protein change: p.Lys784Gln; replaces lysine 784 with glutamine.
Molecular consequence: missense variant. On other transcripts: intron variant (1).
Genome position (GRCh38, 1-based): chr8:54,626,232, A>C. VCF-style: chr8-54626232-A-C. GRCh37 (hg19) VCF-style: chr8-55538792-A-C.
Other names: c.787+3944A>C (NM_001375654.1); short protein forms K784Q.
Identifiers: ClinVar variation 1461900 (VCV001461900.6), dbSNP rs758046790, ClinGen allele CA4751511.